The following is an entry in ClinVar:

NM_020821.3(VPS13C):c.4120G>A (p.Gly1374Ser)

Gene: VPS13C (vacuolar protein sorting 13 homolog C; minus strand). Cytogenetic location: 15q22.2.
Variant type: single nucleotide variant.
Coding change: c.4120G>A on transcript NM_020821.3 (MANE Select); coding-DNA position 4120, G replaced by A.
Protein change: p.Gly1374Ser; replaces glycine 1374 with serine.
Molecular consequence: missense variant.
Genome position (GRCh38, 1-based): chr15:61,958,653, C>T on the plus strand (G>A on the coding strand, the complement: VPS13C is on the minus strand). VCF-style: chr15-61958653-C-T. GRCh37 (hg19) VCF-style: chr15-62250852-C-T.
Other names: c.4120G>A, p.Gly1374Ser (NM_001018088.3); c.3991G>A, p.Gly1331Ser (NM_017684.5, NM_018080.4); short protein forms G1331S, G1374S.
Identifiers: ClinVar variation 2096281 (VCV002096281.4), dbSNP rs565796065, ClinGen allele CA392699447.

ClinVar aggregate classification (germline): Uncertain significance (1 of 4 stars; one submission).

gnomAD v4.1: 1 of 1,574,084 alleles (0.000064%); highest among the groups gnomAD compares: Non-Finnish European, 0.000086%; no homozygotes.

Submission:

Labcorp Genetics (formerly Invitae), Labcorp
Classification: Uncertain significance. Last evaluated: 2022-04-04. Review status: criteria provided, single submitter. Criteria: Invitae Variant Classification Sherloc (09022015). Collection method: clinical testing. Allele origin: germline.
Comment: The frequency data for this variant in the population databases is considered unreliable, as metrics indicate poor data quality at this position in the gnomAD database. This sequence change replaces glycine, which is neutral and non-polar, with serine, which is neutral and polar, at codon 1374 of the VPS13C protein (p.Gly1374Ser). This variant has not been reported in the literature in individuals affected with VPS13C-related conditions. Algorithms developed to predict the effect of missense changes on protein structure and function (SIFT, PolyPhen-2, Align-GVGD) all suggest that this variant is likely to be tolerated. In summary, the available evidence is currently insufficient to determine the role of this variant in disease. Therefore, it has been classified as a Variant of Uncertain Significance.